The following is an entry in ClinVar:

NM_002661.5(PLCG2):c.1888C>T (p.Arg630Trp)

Gene: PLCG2 (phospholipase C gamma 2; plus strand). Cytogenetic location: 16q23.3.
Variant type: single nucleotide variant.
Coding change: c.1888C>T on transcript NM_002661.5 (MANE Select); coding-DNA position 1888, C replaced by T.
Protein change: p.Arg630Trp; replaces arginine 630 with tryptophan.
Molecular consequence: missense variant.
Genome position (GRCh38, 1-based): chr16:81,910,674, C>T. VCF-style: chr16-81910674-C-T. GRCh37 (hg19) VCF-style: chr16-81944279-C-T.
Other names: short protein forms R630W.
Identifiers: ClinVar variation 1483786 (VCV001483786.8), dbSNP rs747373917, ClinGen allele CA8193967.

ClinVar aggregate classification (germline): Uncertain significance (1 of 4 stars; one submission).

Conditions:
Familial cold autoinflammatory syndrome 3 (FCAS3). Also called: FAMILIAL ATYPICAL COLD URTICARIA; ANTIBODY DEFICIENCY AND IMMUNE DYSREGULATION, PLCG2-ASSOCIATED. Identifiers: Orphanet 300359, MedGen C3280914, MONDO:0013766, OMIM 614468.

Allele frequency attached by ClinVar (database versions not stated): gnomAD exomes below 0.00001; ExAC 0.00001; gnomAD 0.00001; TOPMed 0.00001.
gnomAD v4.1: 6 of 1,612,728 alleles (0.00037%); highest among the groups gnomAD compares: Non-Finnish European, 0.00051%; no homozygotes.

Submission:

Labcorp Genetics (formerly Invitae), Labcorp
Classification: Uncertain significance for Familial cold autoinflammatory syndrome 3. Last evaluated: 2022-09-19. Review status: criteria provided, single submitter. Criteria: Invitae Variant Classification Sherloc (09022015). Collection method: clinical testing. Allele origin: germline.
Comment: In summary, the available evidence is currently insufficient to determine the role of this variant in disease. Therefore, it has been classified as a Variant of Uncertain Significance. Algorithms developed to predict the effect of missense changes on protein structure and function are either unavailable or do not agree on the potential impact of this missense change (SIFT: "Deleterious"; PolyPhen-2: "Probably Damaging"; Align-GVGD: "Class C0"). ClinVar contains an entry for this variant (Variation ID: 1483786). This variant has not been reported in the literature in individuals affected with PLCG2-related conditions. This variant is present in population databases (rs747373917, gnomAD 0.005%). This sequence change replaces arginine, which is basic and polar, with tryptophan, which is neutral and slightly polar, at codon 630 of the PLCG2 protein (p.Arg630Trp).